The following is an entry in ClinVar:

ClinVar aggregate classification (germline): Uncertain significance. Review status: criteria provided, multiple submitters, no conflicts (2 of 4 stars). 2 submissions from 2 submitters: Uncertain significance (2). Last evaluated 2025-12-22.

Conditions:
Multiple congenital anomalies-hypotonia-seizures syndrome 1 (MCAHS1). Also called: PIGN-CDG; Congenital disorder of glycosylation due to PIGN deficiency; GLYCOSYLPHOSPHATIDYLINOSITOL BIOSYNTHESIS DEFECT 3. Identifiers: Orphanet 280633, MedGen C3279775, MONDO:0013563, OMIM 614080.
Inborn genetic diseases. Identifiers: MedGen C0950123, MeSH D030342.

Allele frequency attached by ClinVar (database versions not stated): ExAC 0.00001; gnomAD 0.00003 and 0.00004; TOPMed 0.00006.
gnomAD v4.1: 15 of 1,610,702 alleles (0.00093%); highest among the groups gnomAD compares: Admixed American, 0.012%; no homozygotes.

Submissions (2):

Ambry Genetics
Classification: Uncertain significance for Inborn genetic diseases. Last evaluated: 2025-12-22. Review status: criteria provided, single submitter. Criteria: Ambry Variant Classification Scheme 2023. Collection method: clinical testing. Allele origin: germline.

Labcorp Genetics (formerly Invitae), Labcorp
Classification: Uncertain significance for Multiple congenital anomalies-hypotonia-seizures syndrome 1. Last evaluated: 2022-07-30. Review status: criteria provided, single submitter. Criteria: Invitae Variant Classification Sherloc (09022015). Collection method: clinical testing. Allele origin: germline.
Comment: This sequence change replaces alanine, which is neutral and non-polar, with valine, which is neutral and non-polar, at codon 521 of the PIGN protein (p.Ala521Val). This variant is present in population databases (rs765393406, gnomAD 0.0009%). This variant has not been reported in the literature in individuals affected with PIGN-related conditions. ClinVar contains an entry for this variant (Variation ID: 944791). Algorithms developed to predict the effect of missense changes on protein structure and function are either unavailable or do not agree on the potential impact of this missense change (SIFT: "Tolerated"; PolyPhen-2: "Possibly Damaging"; Align-GVGD: "Class C0"). Algorithms developed to predict the effect of sequence changes on RNA splicing suggest that this variant may disrupt the consensus splice site. In summary, the available evidence is currently insufficient to determine the role of this variant in disease. Therefore, it has been classified as a Variant of Uncertain Significance.

NM_176787.5(PIGN):c.1562C>T (p.Ala521Val)

Gene: PIGN (phosphatidylinositol glycan anchor biosynthesis class N; minus strand). Cytogenetic location: 18q21.33.
Variant type: single nucleotide variant.
Coding change: c.1562C>T on transcript NM_176787.5 (MANE Select); coding-DNA position 1562, C replaced by T.
Protein change: p.Ala521Val; replaces alanine 521 with valine.
Molecular consequence: missense variant.
Genome position (GRCh38, 1-based): chr18:62,109,846, G>A on the plus strand (C>T on the coding strand, the complement: PIGN is on the minus strand). VCF-style: chr18-62109846-G-A. GRCh37 (hg19) VCF-style: chr18-59777079-G-A.
Other names: c.1562C>T, p.Ala521Val (NM_012327.6); short protein forms A521V.
Identifiers: ClinVar variation 944791 (VCV000944791.7), dbSNP rs765393406, ClinGen allele CA8982257.
Genomic context (GRCh38, chr18:62,109,846, plus strand): 5'-TAACTGTCAATGAAGTGAAAAAACAAGGCAGCAAGATGCATTACTTACTCTCTTAGAACC[G>A]CATACCATATTGGCAGTGGCAACAAACCATATACATAATATGTCCAGGGACAGGCTTGAA-3'
Protein context (NP_789744.1, residues 511-531): YGLLPLPIWY[Ala521Val]VLREFQVIQD